The following is an entry in ClinVar:

NM_000116.5(TAFAZZIN):c.233T>A (p.Leu78His)

Gene: TAFAZZIN (tafazzin, phospholipid-lysophospholipid transacylase; plus strand). Cytogenetic location: Xq28.
Variant type: single nucleotide variant.
Coding change: c.233T>A on transcript NM_000116.5 (MANE Select); coding-DNA position 233, T replaced by A.
Protein change: p.Leu78His; replaces leucine 78 with histidine.
Molecular consequence: missense variant. On other transcripts: non-coding transcript variant (1).
Genome position (GRCh38, 1-based): chrX:154,412,209, T>A. VCF-style: chrX-154412209-T-A. GRCh37 (hg19) VCF-style: chrX-153640546-T-A.
Other names: c.287T>A, p.Leu96His (NM_001410698.1, NM_001303465.2); c.233T>A, p.Leu78His (NM_181311.4, NM_181312.4, NM_181313.4); short protein forms L78H, L96H.
Identifiers: ClinVar variation 2729978 (VCV002729978.3), dbSNP rs2522925360, ClinGen allele CA415180255.

ClinVar aggregate classification (germline): Uncertain significance (1 of 4 stars; one submission).

Conditions:
3-Methylglutaconic aciduria type 2 (BTHS). Also called: Barth syndrome; CARDIOSKELETAL MYOPATHY WITH NEUTROPENIA AND ABNORMAL MITOCHONDRIA. Identifiers: Orphanet 111, MedGen C0574083, MONDO:0010543, OMIM 302060.

Submission:

Labcorp Genetics (formerly Invitae), Labcorp
Classification: Uncertain significance for 3-Methylglutaconic aciduria type 2. Last evaluated: 2023-06-27. Review status: criteria provided, single submitter. Criteria: Invitae Variant Classification Sherloc (09022015). Collection method: clinical testing. Allele origin: germline.
Comment: In summary, the available evidence is currently insufficient to determine the role of this variant in disease. Therefore, it has been classified as a Variant of Uncertain Significance. An algorithm developed to predict the effect of missense changes on protein structure and function (PolyPhen-2) suggests that this variant is likely to be disruptive. This variant has not been reported in the literature in individuals affected with TAZ-related conditions. This variant is not present in population databases (gnomAD no frequency). This sequence change replaces leucine, which is neutral and non-polar, with histidine, which is basic and polar, at codon 78 of the TAZ protein (p.Leu78His).